The following is an entry in ClinVar:

ClinVar aggregate classification (germline): Pathogenic/Likely pathogenic. Review status: criteria provided, multiple submitters, no conflicts (2 of 4 stars). 2 submissions from 2 submitters: Pathogenic (1); Likely pathogenic (1). Last evaluated 2024-02-28.

Conditions:
Progressive familial intrahepatic cholestasis type 2. Identifiers: Orphanet 79304, MedGen C3489789, MONDO:0011156, OMIM 601847.

Submissions (2):

Human Genetics Section, Sidra Medicine
Classification: Likely pathogenic for Progressive familial intrahepatic cholestasis type 2. Last evaluated: 2024-02-28. Review status: criteria provided, single submitter. Criteria: ACMG Guidelines, 2015. Collection method: research. Allele origin: germline. Affected: yes. Observed: 1 variant allele.
Comment: Extremely low frequency (not present in GnomAD). This sequence change creates a premature translational stop signal (p.Val597Glyfs*7) in the .This variant was determined to be likely pathogenic according to ACMG Guidelines

Rolfs Rare Disease Consulting, Rolfs Consulting Und Verwaltungs GmbH
Classification: Pathogenic for Progressive familial intrahepatic cholestasis type 2. Last evaluated: 2022-01-01. Review status: criteria provided, single submitter. Criteria: ACMG Guidelines, 2015. Collection method: clinical testing. Allele origin: germline. Affected: yes.

NM_003742.4(ABCB11):c.1789dup (p.Val597fs)

Gene: ABCB11 (ATP binding cassette subfamily B member 11; minus strand). Cytogenetic location: 2q31.1.
Variant type: Duplication.
Coding change: c.1789dup on transcript NM_003742.4 (MANE Select); coding-DNA position 1789, one base duplicated (G; older notation c.1789dupG).
Protein change: p.Val597fs; shifts the reading frame from valine 597.
Molecular consequence: frameshift variant.
Genome position (GRCh38, 1-based): chr2:168,970,065, C duplicated on the plus strand (G on the coding strand, the reverse complement: ABCB11 is on the minus strand); the first of 2 consecutive C bases (chr2:168,970,065-168,970,066); duplicating either gives the same sequence. VCF-style (leftmost placement, unchanged base first): chr2-168970064-A-AC. GRCh37 (hg19) VCF-style: chr2-169826574-A-AC.
Other names: short protein forms V597fs.
Identifiers: ClinVar variation 2687829 (VCV002687829.3), dbSNP rs2545382762, ClinGen allele CA2661806229.